The following is an entry in ClinVar:

ClinVar aggregate classification (germline): Pathogenic. Review status: criteria provided, single submitter (1 of 4 stars). 2 submissions from 2 submitters: Pathogenic (1). 1 of the submissions does not count toward it. Last evaluated 2019-01-01.

Conditions:
Kilquist syndrome (KILQS). Also called: SLC12A2-related autosomal recessive neonatal-developmental delay-intellectual disability-feeding difficulty-sensorineural deafness syndrome. Identifiers: Orphanet 633021, MedGen C5436756, MONDO:0033664, OMIM 619080.

Submissions (2):

Undiagnosed Diseases Network, NIH
Classification: Pathogenic for Kilquist syndrome. Last evaluated: 2019-01-01. Review status: criteria provided, single submitter. Criteria: ACMG Guidelines, 2015. Collection method: clinical testing. Allele origin: inherited. Inheritance: Autosomal recessive inheritance. Affected: yes. Observed: 1 variant allele, 1 homozygote. Study: Undiagnosed Diseases Network (NIH), UDN.
Comment: Deletion from intron 1 to the beginning of exon 7 (chr5:127441491â€ 127471419) including an inversion of 34 base pairs (chr5:127441491â€127471419delins34). This family has been reported in PMID: 30740830.

Undiagnosed Diseases Program Translational Research Laboratory, National Institutes of Health
Classification: Pathogenic for Kilquist Syndrome. Last evaluated: 2019-01-22. Review status: no assertion criteria provided. Collection method: research. Allele origin: paternal, not applicable. Inheritance: Autosomal recessive inheritance. Affected: yes. Functional consequence: effect on protein abundance. Not counted in ClinVar's aggregate classification.

Single allele

Gene: SLC12A2 (solute carrier family 12 member 2; plus strand). Cytogenetic location: 5q23.3.
Variant type: Deletion.
Identifiers: ClinVar variation 617506 (VCV000617506.6).